The following is an entry in ClinVar:

NM_005909.5(MAP1B):c.3509A>G (p.Tyr1170Cys)

Gene: MAP1B (microtubule associated protein 1B; plus strand). Cytogenetic location: 5q13.2.
Variant type: single nucleotide variant.
Coding change: c.3509A>G on transcript NM_005909.5 (MANE Select); coding-DNA position 3509, A replaced by G.
Protein change: p.Tyr1170Cys; replaces tyrosine 1170 with cysteine.
Molecular consequence: missense variant.
Genome position (GRCh38, 1-based): chr5:72,196,864, A>G. VCF-style: chr5-72196864-A-G. GRCh37 (hg19) VCF-style: chr5-71492691-A-G.
Other names: c.3131A>G, p.Tyr1044Cys (NM_001324255.2); short protein forms Y1044C, Y1170C.
Identifiers: ClinVar variation 3368035 (VCV003368035.1).

ClinVar aggregate classification (germline): Uncertain significance (1 of 4 stars; one submission).

gnomAD v4.1: 1 of 1,614,118 alleles (0.000062%); highest among the groups gnomAD compares: African/African-American, 0.0013%; no homozygotes.

Submission:

GeneDx
Classification: Uncertain significance. Last evaluated: 2024-01-19. Review status: criteria provided, single submitter. Criteria: GeneDx Variant Classification Process June 2021. Collection method: clinical testing. Allele origin: germline. Affected: yes.
Comment: Not observed at significant frequency in large population cohorts (gnomAD); In silico analysis supports that this missense variant does not alter protein structure/function; Has not been previously published as pathogenic or benign to our knowledge